The following is an entry in ClinVar:

ClinVar aggregate classification (germline): Uncertain significance (1 of 4 stars; one submission).

Conditions:
Autosomal recessive limb-girdle muscular dystrophy type 2J (LGMDR10). Also called: Limb-girdle muscular dystrophy, type 2J; MUSCULAR DYSTROPHY, LIMB-GIRDLE, AUTOSOMAL RECESSIVE 10. Identifiers: Orphanet 140922, MedGen C1837342, MONDO:0012127, OMIM 608807.
Dilated cardiomyopathy 1G (CMD1G). Identifiers: Orphanet 154, MedGen C1858763, MONDO:0011400, OMIM 604145.

Submission:

Labcorp Genetics (formerly Invitae), Labcorp
Classification: Uncertain significance for Dilated cardiomyopathy 1G; Autosomal recessive limb-girdle muscular dystrophy type 2J. Last evaluated: 2025-06-29. Review status: criteria provided, single submitter. Criteria: Invitae Variant Classification Sherloc (09022015). Collection method: clinical testing. Allele origin: germline.
Comment: This sequence change replaces glutamic acid, which is acidic and polar, with glutamine, which is neutral and polar, at codon 5541 of the TTN protein (p.Glu5541Gln). This variant also falls at the last nucleotide of exon 56, which is part of the consensus splice site for this exon. This variant is not present in population databases (gnomAD no frequency). This variant has not been reported in the literature in individuals affected with TTN-related conditions. Experimental studies and prediction algorithms are not available or were not evaluated, and the functional significance of this variant is currently unknown. Variants that disrupt the consensus splice site are a relatively common cause of aberrant splicing (PMID: 17576681, 9536098). Algorithms developed to predict the effect of sequence changes on RNA splicing suggest that this variant may disrupt the consensus splice site. This variant is located in the I band of TTN (PMID: 25589632). Non-truncating variants in this region may be clinically relevant, but have not been definitively shown to cause cardiomyopathy or neuromuscular disease (PMID: 27493940, 32778822). In summary, the available evidence is currently insufficient to determine the role of this variant in disease. Therefore, it has been classified as a Variant of Uncertain Significance.

Literature cited by the submitters: PubMed 17576681; PubMed 9536098; PubMed 25589632; PubMed 27493940; PubMed 32778822.

NM_001267550.2(TTN):c.16621G>C (p.Glu5541Gln)

Gene: TTN (titin; minus strand). Cytogenetic location: 2q31.2.
Variant type: single nucleotide variant.
Coding change: c.16621G>C on transcript NM_001267550.2 (MANE Select); coding-DNA position 16621, G replaced by C.
Protein change: p.Glu5541Gln; replaces glutamic acid 5541 with glutamine.
Molecular consequence: missense variant. On other transcripts: intron variant (3).
Genome position (GRCh38, 1-based): chr2:178,732,440, C>G on the plus strand (G>C on the coding strand, the complement: TTN is on the minus strand). VCF-style: chr2-178732440-C-G. GRCh37 (hg19) VCF-style: chr2-179597167-C-G.
Other names: c.15670G>C, p.Glu5224Gln (NM_001256850.1); c.12889G>C, p.Glu4297Gln (NM_133378.4); c.13282+5642G>C (NM_003319.4); c.13858+5642G>C (NM_133437.4); c.13657+5642G>C (NM_133432.3); short protein forms E4297Q, E5541Q, E5224Q.
Identifiers: ClinVar variation 4790137 (VCV004790137.1).
Genomic context (GRCh38, chr2:178,732,440, plus strand): 5'-AGAAAGAGGAAAGAATTTATAACAAGGTTAGCACAAAGATGTCAAGAAAACAATGCAAAC[C>G]TTTTACAAACAAGTTTGCACTGCATTCCACCCCTCCAGCGACATTGCTGACTTTACATGT-3'
Protein context (NP_001254479.2, residues 5531-5551): VECSANLFVK[Glu5541Gln]PATFVEKLEP